The following is an entry in ClinVar:

NM_001277115.2(DNAH11):c.3726G>A (p.Ala1242=)

Gene: DNAH11 (dynein axonemal heavy chain 11; plus strand). Cytogenetic location: 7p15.3.
Variant type: single nucleotide variant.
Coding change: c.3726G>A on transcript NM_001277115.2 (MANE Select); coding-DNA position 3726, G replaced by A.
Protein change: p.Ala1242=; no amino-acid change (alanine 1242 retained).
Molecular consequence: synonymous variant.
Genome position (GRCh38, 1-based): chr7:21,606,503, G>A. VCF-style: chr7-21606503-G-A. GRCh37 (hg19) VCF-style: chr7-21646121-G-A.
Identifiers: ClinVar variation 699144 (VCV000699144.15), dbSNP rs772101696, ClinGen allele CA4179722.

ClinVar aggregate classification (germline): Benign/Likely benign. Review status: criteria provided, multiple submitters, no conflicts (2 of 4 stars). 4 submissions from 4 submitters: Benign (1); Likely benign (3). Last evaluated 2026-06-26.

Conditions:
DNAH11-related disorder. Also called: DNAH11-related condition.
Primary ciliary dyskinesia. Also called: Ciliary dyskinesia. Identifiers: Orphanet 244, MedGen C0008780, MONDO:0016575, HP:0012265.

Allele frequency attached by ClinVar (database versions not stated): gnomAD 0.00005 and 0.00006; TOPMed 0.00010; gnomAD exomes 0.00028; ExAC 0.00033.
gnomAD v4.1: 102 of 1,610,826 alleles (0.0063%); highest among the groups gnomAD compares: Admixed American, 0.12%; no homozygotes.

Submissions (4):

PreventionGenetics, part of Exact Sciences
Classification: Likely benign for DNAH11-related condition. Last evaluated: 2026-06-26. Review status: criteria provided, single submitter. Criteria: ACMG Guidelines, 2015. Collection method: clinical testing. Allele origin: germline.
Comment: This variant is classified as likely benign based on ACMG/AMP sequence variant interpretation guidelines (Richards et al. 2015 PMID: 25741868, with internal and published modifications).

CeGaT Center for Human Genetics Tuebingen
Classification: Likely benign. Last evaluated: 2026-04-01. Review status: criteria provided, single submitter. Criteria: CeGaT Center For Human Genetics Tuebingen Variant Classification Criteria Version 2. Collection method: clinical testing. Allele origin: germline. Affected: yes. Observed: 1 variant allele.
Comment: DNAH11: BP4, BP7

Labcorp Genetics (formerly Invitae), Labcorp
Classification: Benign for Primary ciliary dyskinesia. Last evaluated: 2026-01-03. Review status: criteria provided, single submitter. Criteria: Invitae Variant Classification Sherloc (09022015). Collection method: clinical testing. Allele origin: germline.

Ambry Genetics
Classification: Likely benign for Primary ciliary dyskinesia. Last evaluated: 2022-10-14. Review status: criteria provided, single submitter. Criteria: Ambry Variant Classification Scheme 2023. Collection method: clinical testing. Allele origin: germline.